The following is an entry in ClinVar:

NM_001184.4(ATR):c.2393A>T (p.Asp798Val)

Gene: ATR (ATR serine/threonine kinase; minus strand). Cytogenetic location: 3q23.
Variant type: single nucleotide variant.
Coding change: c.2393A>T on transcript NM_001184.4 (MANE Select); coding-DNA position 2393, A replaced by T.
Protein change: p.Asp798Val; replaces aspartic acid 798 with valine.
Molecular consequence: missense variant.
Genome position (GRCh38, 1-based): chr3:142,553,964, T>A on the plus strand (A>T on the coding strand, the complement: ATR is on the minus strand). VCF-style: chr3-142553964-T-A. GRCh37 (hg19) VCF-style: chr3-142272806-T-A.
Other names: c.2201A>T, p.Asp734Val (NM_001354579.2); c.2393A>T (NM_001184.3); short protein forms D734V, D798V.
Identifiers: ClinVar variation 1413280 (VCV001413280.6), dbSNP rs759654086, ClinGen allele CA2650367.
Genomic context (GRCh38, chr3:142,553,964, plus strand): 5'-TTGTCTGGATCTTCCATTAAATTTAATAAAGTTCCAAGAACTGCTTTTACATCTGTTTCA[T>A]CTTCTCTAAAATCAAGATGCTTACAAAGATGATGTAGATTATCTATGAAAGCTGAAGGAC-3'
Protein context (NP_001175.2, residues 788-808): HLCKHLDFRE[Asp798Val]ETDVKAVLGT

ClinVar aggregate classification (germline): Uncertain significance. Review status: criteria provided, multiple submitters, no conflicts (2 of 4 stars). 2 submissions from 2 submitters: Uncertain significance (2). Last evaluated 2023-12-15.

Conditions:
Inborn genetic diseases. Identifiers: MedGen C0950123, MeSH D030342.

Allele frequency attached by ClinVar (database versions not stated): gnomAD 0.00002; TOPMed 0.00002.
gnomAD v4.1: 26 of 1,610,956 alleles (0.0016%); highest among the groups gnomAD compares: Non-Finnish European, 0.002%; no homozygotes.

Submissions (2):

Labcorp Genetics (formerly Invitae), Labcorp
Classification: Uncertain significance. Last evaluated: 2023-12-15. Review status: criteria provided, single submitter. Criteria: Invitae Variant Classification Sherloc (09022015). Collection method: clinical testing. Allele origin: germline.
Comment: This sequence change replaces aspartic acid, which is acidic and polar, with valine, which is neutral and non-polar, at codon 798 of the ATR protein (p.Asp798Val). This variant is present in population databases (rs759654086, gnomAD 0.002%). This variant has not been reported in the literature in individuals affected with ATR-related conditions. ClinVar contains an entry for this variant (Variation ID: 1413280). An algorithm developed to predict the effect of missense changes on protein structure and function (PolyPhen-2) suggests that this variant¬†is likely to be tolerated. In summary, the available evidence is currently insufficient to determine the role of this variant in disease. Therefore, it has been classified as a Variant of Uncertain Significance.

Ambry Genetics
Classification: Uncertain significance for Inborn genetic diseases. Last evaluated: 2023-05-30. Review status: criteria provided, single submitter. Criteria: Ambry Variant Classification Scheme 2023. Collection method: clinical testing. Allele origin: germline.